The following is an entry in ClinVar:

NM_001358921.2(COQ2):c.967del (p.Ile323fs)

Gene: COQ2 (coenzyme Q2, polyprenyltransferase; minus strand). Cytogenetic location: 4q21.23.
Variant type: Deletion.
Coding change: c.967del on transcript NM_001358921.2 (MANE Select); coding-DNA position 967, one base deleted (A; older notation c.967delA).
Protein change: p.Ile323fs; shifts the reading frame from isoleucine 323.
Molecular consequence: frameshift variant.
Genome position (GRCh38, 1-based): chr4:83,264,348, T deleted on the plus strand (A on the coding strand, the reverse complement: COQ2 is on the minus strand). VCF-style (leftmost placement, unchanged base first): chr4-83264347-AT-A. GRCh37 (hg19) VCF-style: chr4-84185500-AT-A.
Other names: c.1117del (NM_015697.8); c.1117del, p.Ile373fs (NM_015697.9); short protein forms I373fs, I323fs.
Identifiers: ClinVar variation 2066540 (VCV002066540.5), dbSNP rs1734860676, ClinGen allele CA1472642685.

ClinVar aggregate classification (germline): Pathogenic/Likely pathogenic. Review status: criteria provided, multiple submitters, no conflicts (2 of 4 stars). 2 submissions from 2 submitters: Pathogenic (1); Likely pathogenic (1). Last evaluated 2025-11-03.

Conditions:
Coenzyme Q10 deficiency, primary, 1. Also called: UBIQUINONE DEFICIENCY 1; COENZYME Q DEFICIENCY 1; CoQ DEFICIENCY 1. Identifiers: Orphanet 255249, MedGen C3551954, MONDO:0011829, OMIM 607426.
Multiple system atrophy 1, susceptibility to. Also called: MSA1, SUSCEPTIBILITY TO. Identifiers: MedGen C3714927, MONDO:0020715, OMIM 146500.

Submissions (2):

Labcorp Genetics (formerly Invitae), Labcorp
Classification: Pathogenic. Last evaluated: 2025-11-03. Review status: criteria provided, single submitter. Criteria: Invitae Variant Classification Sherloc (09022015). Collection method: clinical testing. Allele origin: germline.
Comment: This sequence change creates a premature translational stop signal (p.Ile373Serfs*19) in the COQ2 gene. While this is not anticipated to result in nonsense mediated decay, it is expected to disrupt the last 49 amino acid(s) of the COQ2 protein. This variant is not present in population databases (gnomAD no frequency). This variant has not been reported in the literature in individuals affected with COQ2-related conditions. ClinVar contains an entry for this variant (Variation ID: 2066540). This variant disrupts a region of the COQ2 protein in which other variant(s) (p.Arg387*) have been determined to be pathogenic (PMID: 23758206, 29637272; internal data). This suggests that this is a clinically significant region of the protein, and that variants that disrupt it are likely to be disease-causing. For these reasons, this variant has been classified as Pathogenic.

Fulgent Genetics
Classification: Likely pathogenic for Multiple system atrophy 1, susceptibility to; Coenzyme Q10 deficiency, primary, 1. Last evaluated: 2024-02-16. Review status: criteria provided, single submitter. Criteria: ACMG Guidelines, 2015. Collection method: clinical testing. Allele origin: germline.

Literature cited by the submitters: PubMed 23758206 (cited by Labcorp Genetics (formerly Invitae), Labcorp); PubMed 29637272 (cited by Labcorp Genetics (formerly Invitae), Labcorp).